The following is an entry in ClinVar:

NM_182746.3(MCM4):c.110G>A (p.Arg37His)

Gene: MCM4 (minichromosome maintenance complex component 4; plus strand). Cytogenetic location: 8q11.21.
Variant type: single nucleotide variant.
Coding change: c.110G>A on transcript NM_182746.3 (MANE Select); coding-DNA position 110, G replaced by A.
Protein change: p.Arg37His; replaces arginine 37 with histidine.
Molecular consequence: missense variant.
Genome position (GRCh38, 1-based): chr8:47,961,555, G>A. VCF-style: chr8-47961555-G-A. GRCh37 (hg19) VCF-style: chr8-48874115-G-A.
Other names: c.110G>A (NM_005914.3); c.110G>A, p.Arg37His (NM_005914.4); short protein forms R37H.
Identifiers: ClinVar variation 1444895 (VCV001444895.5), dbSNP rs200577338, ClinGen allele CA4742188.

ClinVar aggregate classification (germline): Uncertain significance. Review status: criteria provided, multiple submitters, no conflicts (2 of 4 stars). 3 submissions from 3 submitters: Uncertain significance (3). Last evaluated 2024-11-07.

Allele frequency attached by ClinVar (database versions not stated): ExAC 0.00003; TOPMed 0.00005; gnomAD exomes 0.00006.
gnomAD v4.1: 79 of 1,614,050 alleles (0.0049%); highest among the groups gnomAD compares: Middle Eastern, 0.033%; no homozygotes.

Submissions (3):

Blueprint Genetics
Classification: Uncertain significance. Last evaluated: 2024-11-07. Review status: criteria provided, single submitter. Criteria: ACMG Guidelines, 2015. Collection method: clinical testing. Allele origin: germline.

Ambry Genetics
Classification: Uncertain significance. Last evaluated: 2023-02-16. Review status: criteria provided, single submitter. Criteria: Ambry Variant Classification Scheme 2023. Collection method: clinical testing. Allele origin: germline.

Labcorp Genetics (formerly Invitae), Labcorp
Classification: Uncertain significance. Last evaluated: 2022-07-13. Review status: criteria provided, single submitter. Criteria: Invitae Variant Classification Sherloc (09022015). Collection method: clinical testing. Allele origin: germline.
Comment: This sequence change replaces arginine, which is basic and polar, with histidine, which is basic and polar, at codon 37 of the MCM4 protein (p.Arg37His). This variant is present in population databases (rs200577338, gnomAD 0.01%). This variant has not been reported in the literature in individuals affected with MCM4-related conditions. ClinVar contains an entry for this variant (Variation ID: 1444895). Algorithms developed to predict the effect of missense changes on protein structure and function are either unavailable or do not agree on the potential impact of this missense change (SIFT: "Tolerated"; PolyPhen-2: "Possibly Damaging"; Align-GVGD: "Class C0"). In summary, the available evidence is currently insufficient to determine the role of this variant in disease. Therefore, it has been classified as a Variant of Uncertain Significance.